The following is an entry in ClinVar:

NM_004655.4(AXIN2):c.1691C>T (p.Thr564Ile)

Gene: AXIN2 (axin 2; minus strand). Cytogenetic location: 17q24.1.
Variant type: single nucleotide variant.
Coding change: c.1691C>T on transcript NM_004655.4 (MANE Select); coding-DNA position 1691, C replaced by T.
Protein change: p.Thr564Ile; replaces threonine 564 with isoleucine.
Molecular consequence: missense variant.
Genome position (GRCh38, 1-based): chr17:65,537,345, G>A on the plus strand (C>T on the coding strand, the complement: AXIN2 is on the minus strand). VCF-style: chr17-65537345-G-A. GRCh37 (hg19) VCF-style: chr17-63533463-G-A.
Other names: c.1691C>T, p.Thr564Ile (NM_001363813.1); short protein forms T564I.
Identifiers: ClinVar variation 3715655 (VCV003715655.2).

ClinVar aggregate classification (germline): Uncertain significance (1 of 4 stars; one submission).

Conditions:
Oligodontia-cancer predisposition syndrome. Also called: TOOTH AGENESIS-COLORECTAL CANCER SYNDROME. Identifiers: Orphanet 300576, MedGen C1837750, MONDO:0012075, OMIM 608615. Disease mechanism: loss of function.

Submission:

Labcorp Genetics (formerly Invitae), Labcorp
Classification: Uncertain significance for Oligodontia-cancer predisposition syndrome. Last evaluated: 2024-10-25. Review status: criteria provided, single submitter. Criteria: Invitae Variant Classification Sherloc (09022015). Collection method: clinical testing. Allele origin: germline.
Comment: This sequence change replaces threonine, which is neutral and polar, with isoleucine, which is neutral and non-polar, at codon 564 of the AXIN2 protein (p.Thr564Ile). This variant is not present in population databases (gnomAD no frequency). This variant has not been reported in the literature in individuals affected with AXIN2-related conditions. Invitae Evidence Modeling of protein sequence and biophysical properties (such as structural, functional, and spatial information, amino acid conservation, physicochemical variation, residue mobility, and thermodynamic stability) indicates that this missense variant is not expected to disrupt AXIN2 protein function with a negative predictive value of 80%. In summary, the available evidence is currently insufficient to determine the role of this variant in disease. Therefore, it has been classified as a Variant of Uncertain Significance.